The following is an entry in ClinVar:

NM_177438.3(DICER1):c.2033C>G (p.Ser678Cys)

Gene: DICER1 (dicer 1, ribonuclease III; minus strand). Cytogenetic location: 14q32.13.
Variant type: single nucleotide variant.
Coding change: c.2033C>G on transcript NM_177438.3 (MANE Select); coding-DNA position 2033, C replaced by G.
Protein change: p.Ser678Cys; replaces serine 678 with cysteine.
Molecular consequence: missense variant. On other transcripts: non-coding transcript variant (6).
Genome position (GRCh38, 1-based): chr14:95,113,099, G>C on the plus strand (C>G on the coding strand, the complement: DICER1 is on the minus strand). VCF-style: chr14-95113099-G-C. GRCh37 (hg19) VCF-style: chr14-95579436-G-C.
Other names: c.2033C>G, p.Ser678Cys (NM_001195573.1, NM_001271282.3, NM_001291628.2 and 12 more transcripts); c.1751C>G, p.Ser584Cys (NM_001395686.1); c.1628C>G, p.Ser543Cys (NM_001395687.1, NM_001395688.1, NM_001395689.1 and 3 more transcripts); c.1466C>G, p.Ser489Cys (NM_001395691.1); c.350C>G, p.Ser117Cys (NM_001395697.1); short protein forms S117C, S678C, S489C, S584C, S543C.
Identifiers: ClinVar variation 3840005 (VCV003840005.1).
Genomic context (GRCh38, chr14:95,113,099, plus strand): 5'-TCCACTAATGACACATTTTAAAAGATAACAATCATTTCTTCTTCTAAACTTACAACAATG[G>C]AGGCTCGAAGAGGTGAGTTAATTGGCAGATAAAGAGTTGAATAAAATGTACCATCAGGCA-3'
Protein context (NP_803187.1, residues 668-688): YLPINSPLRA[Ser678Cys]IVGPPMSCVR

ClinVar aggregate classification (germline): Uncertain significance (1 of 4 stars; one submission).

Conditions:
Hereditary cancer-predisposing syndrome. Also called: Hereditary neoplastic syndrome; Neoplastic Syndromes, Hereditary; Tumor predisposition; Hereditary Cancer Syndrome. Identifiers: Orphanet 140162, MedGen C0027672, MeSH D009386, MONDO:0015356.

Submission:

Ambry Genetics
Classification: Uncertain significance for Hereditary cancer-predisposing syndrome. Last evaluated: 2025-01-14. Review status: criteria provided, single submitter. Criteria: Ambry Variant Classification Scheme 2023. Collection method: clinical testing. Allele origin: germline.
Comment: The p.S678C variant (also known as c.2033C>G), located in coding exon 11 of the DICER1 gene, results from a C to G substitution at nucleotide position 2033. The serine at codon 678 is replaced by cysteine, an amino acid with dissimilar properties. This amino acid position is conserved. In addition, this alteration is predicted to be tolerated by in silico analysis. Based on the available evidence, the clinical significance of this variant remains unclear.